The following is an entry in ClinVar:

NM_022455.5(NSD1):c.4907C>T (p.Ser1636Phe)

Gene: NSD1 (nuclear receptor binding SET domain protein 1; plus strand). Cytogenetic location: 5q35.3.
Variant type: single nucleotide variant.
Coding change: c.4907C>T on transcript NM_022455.5 (MANE Select); coding-DNA position 4907, C replaced by T.
Protein change: p.Ser1636Phe; replaces serine 1636 with phenylalanine.
Molecular consequence: missense variant.
Genome position (GRCh38, 1-based): chr5:177,257,092, C>T. VCF-style: chr5-177257092-C-T. GRCh37 (hg19) VCF-style: chr5-176684093-C-T.
Other names: c.4034C>T, p.Ser1345Phe (NM_001365684.2, NM_001409308.1, NM_001409309.1 and 1 more transcripts); c.4907C>T, p.Ser1636Phe (NM_001409301.1, NM_001409302.1, NM_001409303.1); c.4487C>T, p.Ser1496Phe (NM_001409304.1); c.4154C>T, p.Ser1385Phe (NM_001409305.1); c.4145C>T, p.Ser1382Phe (NM_001409306.1, NM_001409307.1); short protein forms S1636F, S1367F, S1382F, S1385F, S1496F, S1345F.
Identifiers: ClinVar variation 159350 (VCV000159350.9), dbSNP rs587784129, ClinGen allele CA294918.

ClinVar aggregate classification (germline): Conflicting classifications of pathogenicity. Review status: criteria provided, conflicting classifications (1 of 4 stars). 2 submissions from 2 submitters: Pathogenic (1); Uncertain significance (1). Last evaluated 2020-05-21.

Conditions:
Sotos syndrome (SOTOS). Also called: Distinctive facial appearance, overgrowth in childhood, and learning disabilities or delayed development; CEREBRAL GIGANTISM; Sotos' syndrome; CHROMOSOME 5q35 DELETION SYNDROME; SOTOS SYNDROME 1. Identifiers: Orphanet 821, MedGen C0175695, MONDO:0019349, OMIM 117550.
Inborn genetic diseases. Identifiers: MedGen C0950123, MeSH D030342.

Submissions (2):

Ambry Genetics
Classification: Uncertain significance for Inborn genetic diseases. Last evaluated: 2020-05-21. Review status: criteria provided, single submitter. Criteria: Ambry Variant Classification Scheme 2023. Collection method: clinical testing. Allele origin: germline.
Comment: The p.S1636F variant (also known as c.4907C>T), located in coding exon 12 of the NSD1 gene, results from a C to T substitution at nucleotide position 4907. The serine at codon 1636 is replaced by phenylalanine, an amino acid with highly dissimilar properties. This amino acid position is well conserved in available vertebrate species. In addition, this alteration is predicted to be deleterious by in silico analysis. Since supporting evidence is limited at this time, the clinical significance of this alteration remains unclear.

Genetic Services Laboratory, University of Chicago
Classification: Pathogenic for Sotos syndrome 1. Last evaluated: 2013-02-08. Review status: criteria provided, single submitter. Criteria: ACMG Guidelines, 2007. Collection method: clinical testing. Allele origin: germline. Inheritance: Autosomal dominant inheritance. Affected: yes.